The following is an entry in ClinVar:

NM_018117.12(WDR11):c.1449G>C (p.Met483Ile)

Gene: WDR11 (WD repeat domain 11; plus strand). Cytogenetic location: 10q26.12.
Variant type: single nucleotide variant.
Coding change: c.1449G>C on transcript NM_018117.12 (MANE Select); coding-DNA position 1449, G replaced by C.
Protein change: p.Met483Ile; replaces methionine 483 with isoleucine.
Molecular consequence: missense variant.
Genome position (GRCh38, 1-based): chr10:120,871,324, G>C. VCF-style: chr10-120871324-G-C. GRCh37 (hg19) VCF-style: chr10-122630836-G-C.
Other names: c.1449G>C (NM_018117.11); short protein forms M483I.
Identifiers: ClinVar variation 1918701 (VCV001918701.16), dbSNP rs151162552, ClinGen allele CA5719717.

ClinVar aggregate classification (germline): Conflicting classifications of pathogenicity. Review status: criteria provided, conflicting classifications (1 of 4 stars). 3 submissions from 3 submitters: Uncertain significance (2); Likely benign (1). Last evaluated 2025-11-09.

Conditions:
WDR11-related disorder. Also called: WDR11-related condition.

Allele frequency attached by ClinVar (database versions not stated): ExAC 0.00026; gnomAD 0.00029; ESP Exome Variant Server 0.00031; TOPMed 0.00034; gnomAD exomes 0.00039.
gnomAD v4.1: 629 of 1,613,560 alleles (0.039%); highest among the groups gnomAD compares: Admixed American, 0.07%; no homozygotes.

Submissions (3):

PreventionGenetics, part of Exact Sciences
Classification: Uncertain significance for WDR11-related condition. Last evaluated: 2025-11-09. Review status: criteria provided, single submitter. Criteria: ACMG Guidelines, 2015. Collection method: clinical testing. Allele origin: germline.
Comment: The WDR11 c.1449G>C variant is predicted to result in the amino acid substitution p.Met483Ile. To our knowledge, this variant has not been reported in the literature. This variant is reported in 0.076% of alleles in individuals of Latino descent in gnomAD. Although we suspect that this variant may be benign, at this time, the clinical significance of this variant is uncertain due to the absence of conclusive functional and genetic evidence.

CeGaT Center for Human Genetics Tuebingen
Classification: Likely benign. Last evaluated: 2025-06-01. Review status: criteria provided, single submitter. Criteria: CeGaT Center For Human Genetics Tuebingen Variant Classification Criteria Version 2. Collection method: clinical testing. Allele origin: germline. Affected: yes. Observed: 1 variant allele.
Comment: WDR11: BP4

Labcorp Genetics (formerly Invitae), Labcorp
Classification: Uncertain significance. Last evaluated: 2025-04-15. Review status: criteria provided, single submitter. Criteria: Invitae Variant Classification Sherloc (09022015). Collection method: clinical testing. Allele origin: germline.
Comment: This sequence change replaces methionine, which is neutral and non-polar, with isoleucine, which is neutral and non-polar, at codon 483 of the WDR11 protein (p.Met483Ile). This variant is present in population databases (rs151162552, gnomAD 0.08%). This variant has not been reported in the literature in individuals affected with WDR11-related conditions. ClinVar contains an entry for this variant (Variation ID: 1918701). An algorithm developed to predict the effect of missense changes on protein structure and function (PolyPhen-2) suggests that this variant is likely to be tolerated. In summary, the available evidence is currently insufficient to determine the role of this variant in disease. Therefore, it has been classified as a Variant of Uncertain Significance.